The following is an entry in ClinVar:

NM_178565.5(RSPO2):c.446A>T (p.His149Leu)

Gene: RSPO2 (R-spondin 2; minus strand). Cytogenetic location: 8q23.1.
Variant type: single nucleotide variant.
Coding change: c.446A>T on transcript NM_178565.5 (MANE Select); coding-DNA position 446, A replaced by T.
Protein change: p.His149Leu; replaces histidine 149 with leucine.
Molecular consequence: missense variant.
Genome position (GRCh38, 1-based): chr8:107,958,250, T>A on the plus strand (A>T on the coding strand, the complement: RSPO2 is on the minus strand). VCF-style: chr8-107958250-T-A. GRCh37 (hg19) VCF-style: chr8-108970478-T-A.
Other names: c.254A>T, p.His85Leu (NM_001282863.2); c.245A>T, p.His82Leu (NM_001317942.2); c.446A>T (NM_178565.4); short protein forms H149L, H82L, H85L.
Identifiers: ClinVar variation 2059850 (VCV002059850.6), dbSNP rs147756016, ClinGen allele CA4841570.

ClinVar aggregate classification (germline): Likely benign. Review status: criteria provided, single submitter (1 of 4 stars). 2 submissions from 2 submitters: Likely benign (1). 1 of the submissions does not count toward it. Last evaluated 2025-12-01.

Conditions:
RSPO2-related disorder. Also called: RSPO2-related condition.

Allele frequency attached by ClinVar (database versions not stated): 1000 Genomes Project 0.00060; 1000 Genomes Project 30x 0.00062; gnomAD 0.00097; TOPMed 0.00097; ESP Exome Variant Server 0.00146; ExAC 0.00150; gnomAD exomes 0.00171.
gnomAD v4.1: 2,586 of 1,613,196 alleles (0.16%); highest among the groups gnomAD compares: Non-Finnish European, 0.21%; 7 homozygotes.

Submissions (2):

Labcorp Genetics (formerly Invitae), Labcorp
Classification: Likely benign. Last evaluated: 2025-12-01. Review status: criteria provided, single submitter. Criteria: Invitae Variant Classification Sherloc (09022015). Collection method: clinical testing. Allele origin: germline.

PreventionGenetics, part of Exact Sciences
Classification: Likely benign for RSPO2-related condition. Last evaluated: 2021-09-28. Review status: no assertion criteria provided. Collection method: clinical testing. Allele origin: germline. Not counted in ClinVar's aggregate classification.
Comment: This variant is classified as likely benign based on ACMG/AMP sequence variant interpretation guidelines (Richards et al. 2015 PMID: 25741868, with internal and published modifications).